The following is an entry in ClinVar:

GRCh37/hg19 22q13.33(chr22:51121452-51183840)x1

Genes: ACR (acrosin; plus strand), SHANK3 (SH3 and multiple ankyrin repeat domains 3; plus strand). Cytogenetic location: 22q13.33.
Variant type: copy number loss.
Change: copy number 1 (one copy instead of two) of chr22:51,121,452-51,183,840 (62.4 kb, GRCh37 coordinates, 1-based), cytogenetic band 22q13.33.
Identifiers: ClinVar variation 564973 (VCV000564973.3).

ClinVar aggregate classification (germline): Pathogenic (1 of 4 stars; one submission).

Submission:

Quest Diagnostics Nichols Institute San Juan Capistrano
Classification: Pathogenic. Last evaluated: 2024-03-22. Review status: criteria provided, single submitter. Criteria: ACMG/ClinGen CNV Guidelines, 2019. Collection method: clinical testing. Allele origin: unknown.
Comment: This loss contains multiple exons (NM_001372044.2) of the 3’ portion of SHANK3 (OMIM 606230). Haploinsufficiency of SHANK3 is associated with Phelan-McDermid syndrome (OMIM 606232; CCID:007842; Bonaglia 2011, Phelan 2018, Xu 2020). Thus, based on current medical literature this copy number variant (CNV) is classified as pathogenic. References: Bonaglia et al., PLoS Genet. 2011 Jul;7(7):e1002173. PMID: 21779178; Phelan et al., GeneReviews [Internet]., 7 Jun 2018. PMID: 20301377; Xu et al., Orphanet J Rare Dis. 2020 Nov 30;15(1):335. PMID: 33256793